The following is an entry in ClinVar:

NM_001013838.3(CARMIL2):c.4305C>T (p.Pro1435=)

Genes: ACD (ACD shelterin complex subunit and telomerase recruitment factor; minus strand), CARMIL2 (capping protein regulator and myosin 1 linker 2; plus strand). Cytogenetic location: 16q22.1.
Variant type: single nucleotide variant.
Coding change: c.4305C>T on transcript NM_001013838.3 (MANE Select); coding-DNA position 4305, C replaced by T.
Protein change: p.Pro1435=; no amino-acid change (proline 1435 retained).
Molecular consequence: synonymous variant. On other transcripts: 3 prime UTR variant (3).
Genome position (GRCh38, 1-based): chr16:67,657,515, C>T. VCF-style: chr16-67657515-C-T. GRCh37 (hg19) VCF-style: chr16-67691418-C-T.
Other names: c.4116C>T, p.Pro1372= (NM_001317026.3); c.*91G>A (NM_001082486.2, NM_001410884.1, NM_022914.3).
Identifiers: ClinVar variation 1147230 (VCV001147230.33), dbSNP rs377246132, ClinGen allele CA8114329.

ClinVar aggregate classification (germline): Likely benign. Review status: criteria provided, multiple submitters, no conflicts (2 of 4 stars). 3 submissions from 3 submitters: Likely benign (3). Last evaluated 2025-12-09.

Allele frequency attached by ClinVar (database versions not stated): TOPMed 0.00012; ESP Exome Variant Server 0.00015; gnomAD 0.00015 and 0.00016; gnomAD exomes 0.00015 and 0.00017; ExAC 0.00017.
gnomAD v4.1: 230 of 1,613,408 alleles (0.014%); highest among the groups gnomAD compares: Non-Finnish European, 0.019%; no homozygotes.

Submissions (3):

Labcorp Genetics (formerly Invitae), Labcorp
Classification: Likely benign. Last evaluated: 2025-12-09. Review status: criteria provided, single submitter. Criteria: Invitae Variant Classification Sherloc (09022015). Collection method: clinical testing. Allele origin: germline.

Blueprint Genetics
Classification: Likely benign. Last evaluated: 2024-09-24. Review status: criteria provided, single submitter. Criteria: ACMG Guidelines, 2015. Collection method: clinical testing. Allele origin: germline.

CeGaT Center for Human Genetics Tuebingen
Classification: Likely benign. Last evaluated: 2022-11-01. Review status: criteria provided, single submitter. Criteria: CeGaT Center For Human Genetics Tuebingen Variant Classification Criteria Version 2. Collection method: clinical testing. Allele origin: germline. Affected: yes. Observed: 1 variant allele.
Comment: CARMIL2: BP4